The following is an entry in ClinVar:

NM_012309.5(SHANK2):c.427C>T (p.Arg143Trp)

Gene: SHANK2 (SH3 and multiple ankyrin repeat domains 2; minus strand). Cytogenetic location: 11q13.4.
Variant type: single nucleotide variant.
Coding change: c.427C>T on transcript NM_012309.5 (MANE Select); coding-DNA position 427, C replaced by T.
Protein change: p.Arg143Trp; replaces arginine 143 with tryptophan.
Molecular consequence: missense variant. On other transcripts: intron variant (1).
Genome position (GRCh38, 1-based): chr11:71,113,349, G>A on the plus strand (C>T on the coding strand, the complement: SHANK2 is on the minus strand). VCF-style: chr11-71113349-G-A. GRCh37 (hg19) VCF-style: chr11-70824395-G-A.
Other names: c.427C>T, p.Arg143Trp (NM_001441024.1, NM_001441025.1, NM_001441026.1 and 12 more transcripts); c.412-3300C>T (NM_001441038.1); short protein forms R143W.
Identifiers: ClinVar variation 4164488 (VCV004164488.2).

ClinVar aggregate classification (germline): Conflicting classifications of pathogenicity. Review status: criteria provided, conflicting classifications (1 of 4 stars). 2 submissions from 2 submitters: Uncertain significance (1); Likely benign (1). Last evaluated 2026-04-14.

Conditions:
Autism, susceptibility to, 17. Also called: Autism susceptibility 17. Identifiers: MedGen C3150693, MONDO:0013265, OMIM 613436.
Inborn genetic diseases. Identifiers: MedGen C0950123, MeSH D030342.

gnomAD v4.1: 47 of 1,551,480 alleles (0.003%); highest among the groups gnomAD compares: Non-Finnish European, 0.0038%; no homozygotes.

Submissions (2):

Centre for Medical Genetics,  Mumbai
Classification: Likely benign for Autism, susceptibility to, 17. Last evaluated: 2026-04-14. Review status: criteria provided, single submitter. Criteria: ACMG Guidelines, 2015. Collection method: provider interpretation. Allele origin: germline. Inheritance: Autosomal dominant inheritance. Affected: no. Observed: 1 variant allele, 1 heterozygote.
Comment: The variant satisfies PM2 criteria - extremely low frequency in gnomAD population databases. However, the variant satisfies BS2 criteria - present in heterozygous state in an individual that clinically does not have autism susceptibility.

Ambry Genetics
Classification: Uncertain significance for Inborn genetic diseases. Last evaluated: 2025-08-29. Review status: criteria provided, single submitter. Criteria: Ambry Variant Classification Scheme 2023. Collection method: clinical testing. Allele origin: germline.

Literature cited by the submitters: PubMed 20473310 (cited by Centre for Medical Genetics,  Mumbai).